The following is an entry in ClinVar:

ClinVar aggregate classification (germline): Uncertain significance (1 of 4 stars; one submission).

Submission:

Labcorp Genetics (formerly Invitae), Labcorp
Classification: Uncertain significance. Last evaluated: 2022-06-27. Review status: criteria provided, single submitter. Criteria: Invitae Variant Classification Sherloc (09022015). Collection method: clinical testing. Allele origin: germline.
Comment: Algorithms developed to predict the effect of missense changes on protein structure and function are either unavailable or do not agree on the potential impact of this missense change (SIFT: "Not Available"; PolyPhen-2: "Probably Damaging"; Align-GVGD: "Not Available"). ClinVar contains an entry for this variant (Variation ID: 1011832). This variant has not been reported in the literature in individuals affected with CDH3-related conditions. This variant is not present in population databases (gnomAD no frequency). This sequence change replaces threonine, which is neutral and polar, with alanine, which is neutral and non-polar, at codon 796 of the CDH3 protein (p.Thr796Ala). In summary, the available evidence is currently insufficient to determine the role of this variant in disease. Therefore, it has been classified as a Variant of Uncertain Significance.

NM_001793.6(CDH3):c.2386A>G (p.Thr796Ala)

Gene: CDH3 (cadherin 3; plus strand). Cytogenetic location: 16q22.1.
Variant type: single nucleotide variant.
Coding change: c.2386A>G on transcript NM_001793.6 (MANE Select); coding-DNA position 2386, A replaced by G.
Protein change: p.Thr796Ala; replaces threonine 796 with alanine.
Molecular consequence: missense variant. On other transcripts: 3 prime UTR variant (1).
Genome position (GRCh38, 1-based): chr16:68,698,296, A>G. VCF-style: chr16-68698296-A-G. GRCh37 (hg19) VCF-style: chr16-68732199-A-G.
Other names: c.*129A>G (NM_001317195.3); c.2221A>G, p.Thr741Ala (NM_001317196.2); short protein forms T741A, T796A.
Identifiers: ClinVar variation 1011832 (VCV001011832.8), dbSNP rs1476674117, ClinGen allele CA396456836.